The following is an entry in ClinVar:

NM_001354604.2(MITF):c.721A>G (p.Ile241Val)

Gene: MITF (melanocyte inducing transcription factor; plus strand). Cytogenetic location: 3p13.
Variant type: single nucleotide variant.
Coding change: c.721A>G on transcript NM_001354604.2 (MANE Select); coding-DNA position 721, A replaced by G.
Protein change: p.Ile241Val; replaces isoleucine 241 with valine.
Molecular consequence: missense variant.
Genome position (GRCh38, 1-based): chr3:69,941,290, A>G. VCF-style: chr3-69941290-A-G. GRCh37 (hg19) VCF-style: chr3-69990441-A-G.
Other names: c.400A>G, p.Ile134Val (NM_000248.4, NM_198158.3); c.565A>G, p.Ile189Val (NM_001184967.2, NM_001354608.2); c.718A>G, p.Ile240Val (NM_001354605.2, NM_001354606.2, NM_006722.3); c.670A>G, p.Ile224Val (NM_001354607.2); c.721A>G, p.Ile241Val (NM_198159.3); c.673A>G, p.Ile225Val (NM_198177.3); c.232A>G, p.Ile78Val (NM_198178.3); short protein forms I224V, I240V, I189V, I134V, I241V, I78V, I225V.
Identifiers: ClinVar variation 2003667 (VCV002003667.6), dbSNP rs757830956, ClinGen allele CA2490446.

ClinVar aggregate classification (germline): Uncertain significance. Review status: criteria provided, multiple submitters, no conflicts (2 of 4 stars). 2 submissions from 2 submitters: Uncertain significance (2). Last evaluated 2025-07-16.

Conditions:
Tietz syndrome (TADS). Also called: ALBINISM-DEAFNESS OF TIETZ; HYPOPIGMENTATION/DEAFNESS OF TIETZ; TIETZ ALBINISM-DEAFNESS SYNDROME. Identifiers: Orphanet 42665, MedGen C0391816, MONDO:0007077, OMIM 103500.
Waardenburg syndrome type 2A (WS2A). Also called: WAARDENBURG SYNDROME WITHOUT DYSTOPIA CANTHORUM. Identifiers: Orphanet 3440, MedGen C1860339, MONDO:0008671, OMIM 193510.
Melanoma, cutaneous malignant, susceptibility to, 8. Also called: MELANOMA AND RENAL CELL CARCINOMA, SUSCEPTIBILITY TO; Cutaneous malignant melanoma 8. Identifiers: Orphanet 293822, MedGen C3152204, MONDO:0013759, OMIM 614456.

Allele frequency attached by ClinVar (database versions not stated): ExAC 0.00001; TOPMed below 0.00001; gnomAD exomes below 0.00001.
gnomAD v4.1: 1 of 1,613,400 alleles (0.000062%); no homozygotes.

Submissions (2):

Dasa
Classification: Uncertain significance. Last evaluated: 2025-07-16. Review status: criteria provided, single submitter. Criteria: DASA Assertion Criteria. Collection method: clinical testing. Allele origin: germline.
Comment: NM_001354604.2(MITF):c.721A>G (p.Ile241Val) is a missense variant that results in the substitution of isoleucine with valine. This variant is rare in population databases. Computational prediction algorithms are consistent with a benign effect. The currently available literature and clinical evidence are not sufficient to establish a definitive association between this variant and the reported condition. Therefore, this variant is classified as a variant of uncertain significance.

Labcorp Genetics (formerly Invitae), Labcorp
Classification: Uncertain significance for Melanoma, cutaneous malignant, susceptibility to, 8; Waardenburg syndrome type 2A; Tietz syndrome. Last evaluated: 2025-05-13. Review status: criteria provided, single submitter. Criteria: Invitae Variant Classification Sherloc (09022015). Collection method: clinical testing. Allele origin: germline.
Comment: This sequence change replaces isoleucine, which is neutral and non-polar, with valine, which is neutral and non-polar, at codon 134 of the MITF protein (p.Ile134Val). This variant is present in population databases (rs757830956, gnomAD 0.01%). This variant has not been reported in the literature in individuals affected with MITF-related conditions. ClinVar contains an entry for this variant (Variation ID: 2003667). Invitae Evidence Modeling of protein sequence and biophysical properties (such as structural, functional, and spatial information, amino acid conservation, physicochemical variation, residue mobility, and thermodynamic stability) indicates that this missense variant is not expected to disrupt MITF protein function with a negative predictive value of 80%. In summary, the available evidence is currently insufficient to determine the role of this variant in disease. Therefore, it has been classified as a Variant of Uncertain Significance.